The following is an entry in ClinVar:

ClinVar aggregate classification (germline): Uncertain significance (1 of 4 stars; one submission).

Submission:

GeneDx
Classification: Uncertain significance. Last evaluated: 2025-06-13. Review status: criteria provided, single submitter. Criteria: GeneDx Variant Classification Process June 2021. Collection method: clinical testing. Allele origin: germline. Affected: yes.
Comment: Not observed at significant frequency in large population cohorts (gnomAD); In silico analysis suggests that this missense variant does not alter protein structure/function; Has not been previously published as pathogenic or benign to our knowledge

NM_005996.4(TBX3):c.1076C>T (p.Ala359Val)

Gene: TBX3 (T-box transcription factor 3; minus strand). Cytogenetic location: 12q24.21.
Variant type: single nucleotide variant.
Coding change: c.1076C>T on transcript NM_005996.4 (MANE Select); coding-DNA position 1076, C replaced by T.
Protein change: p.Ala359Val; replaces alanine 359 with valine.
Molecular consequence: missense variant.
Genome position (GRCh38, 1-based): chr12:114,674,799, G>A on the plus strand (C>T on the coding strand, the complement: TBX3 is on the minus strand). VCF-style: chr12-114674799-G-A. GRCh37 (hg19) VCF-style: chr12-115112604-G-A.
Other names: c.1136C>T, p.Ala379Val (NM_016569.4); short protein forms A359V, A379V.
Identifiers: ClinVar variation 4537881 (VCV004537881.1).